The following is an entry in ClinVar:

ClinVar aggregate classification (germline): Conflicting classifications of pathogenicity. Review status: criteria provided, conflicting classifications (1 of 4 stars). 2 submissions from 2 submitters: Uncertain significance (1); Likely benign (1). Last evaluated 2023-01-01.

Allele frequency attached by ClinVar (database versions not stated): TOPMed 0.00002; gnomAD 0.00004.
gnomAD v4.1: 35 of 1,524,380 alleles (0.0023%); highest among the groups gnomAD compares: Middle Eastern, 0.034%; no homozygotes.

Submissions (2):

CeGaT Center for Human Genetics Tuebingen
Classification: Likely benign. Last evaluated: 2023-01-01. Review status: criteria provided, single submitter. Criteria: CeGaT Center For Human Genetics Tuebingen Variant Classification Criteria Version 2. Collection method: clinical testing. Allele origin: germline. Affected: yes. Observed: 1 variant allele.
Comment: ARMC9: BP4

Labcorp Genetics (formerly Invitae), Labcorp
Classification: Uncertain significance. Last evaluated: 2022-08-20. Review status: criteria provided, single submitter. Criteria: Invitae Variant Classification Sherloc (09022015). Collection method: clinical testing. Allele origin: germline.
Comment: This sequence change replaces proline, which is neutral and non-polar, with leucine, which is neutral and non-polar, at codon 811 of the ARMC9 protein (p.Pro811Leu). This variant is present in population databases (no rsID available, gnomAD 0.03%). This variant has not been reported in the literature in individuals affected with ARMC9-related conditions. ClinVar contains an entry for this variant (Variation ID: 838156). Algorithms developed to predict the effect of missense changes on protein structure and function output the following: SIFT: "Not Available"; PolyPhen-2: "Not Available"; Align-GVGD: "Not Available". The leucine amino acid residue is found in multiple mammalian species, which suggests that this missense change does not adversely affect protein function. In summary, the available evidence is currently insufficient to determine the role of this variant in disease. Therefore, it has been classified as a Variant of Uncertain Significance.

NM_001352754.2(ARMC9):c.2432C>T (p.Pro811Leu)

Gene: ARMC9 (armadillo repeat containing 9; plus strand). Cytogenetic location: 2q37.1.
Variant type: single nucleotide variant.
Coding change: c.2432C>T on transcript NM_001352754.2 (MANE Select); coding-DNA position 2432, C replaced by T.
Protein change: p.Pro811Leu; replaces proline 811 with leucine.
Molecular consequence: missense variant.
Genome position (GRCh38, 1-based): chr2:231,370,123, C>T. VCF-style: chr2-231370123-C-T. GRCh37 (hg19) VCF-style: chr2-232234834-C-T.
Other names: c.2432C>T, p.Pro811Leu (NM_001271466.4); short protein forms P811L.
Identifiers: ClinVar variation 838156 (VCV000838156.28), dbSNP rs564939247, ClinGen allele CA66863875.
Genomic context (GRCh38, chr2:231,370,123, plus strand): 5'-CGTGTGGCCCCCAGCAGGCCAGCCGCCCCGGCTCCACAGCGTCCTCCACAAGGGGCCTGC[C>T]GAGTAAGTCAGCCTGGGCCCCACTGGCGTGGGAGCCTGGCCACCCGCCAACCTGCAGGGA-3'
Protein context (NP_001339683.2, residues 801-818): GSTASSTRGL[Pro811Leu]SSQSHRK